The following is an entry in ClinVar:

ClinVar aggregate classification (germline): Uncertain significance (1 of 4 stars; one submission).

Conditions:
Giant axonal neuropathy 1 (GAN1). Also called: GIANT AXONAL NEUROPATHY 1, AUTOSOMAL RECESSIVE; GAN-Related Neurodegeneration. Identifiers: Orphanet 643, MedGen C1850386, MONDO:0009749, OMIM 256850.

Allele frequency attached by ClinVar (database versions not stated): ExAC 0.00001; gnomAD exomes 0.00001.
gnomAD v4.1: 12 of 1,613,884 alleles (0.00074%); highest among the groups gnomAD compares: Middle Eastern, 0.016%; no homozygotes.

Submission:

Labcorp Genetics (formerly Invitae), Labcorp
Classification: Uncertain significance for Giant axonal neuropathy 1. Last evaluated: 2023-12-11. Review status: criteria provided, single submitter. Criteria: Invitae Variant Classification Sherloc (09022015). Collection method: clinical testing. Allele origin: germline.
Comment: This sequence change replaces aspartic acid, which is acidic and polar, with asparagine, which is neutral and polar, at codon 542 of the GAN protein (p.Asp542Asn). This variant is present in population databases (rs747972511, gnomAD 0.003%). This variant has not been reported in the literature in individuals affected with GAN-related conditions. ClinVar contains an entry for this variant (Variation ID: 1022546). An algorithm developed to predict the effect of missense changes on protein structure and function (PolyPhen-2) suggests that this variant¬†is likely to be tolerated. In summary, the available evidence is currently insufficient to determine the role of this variant in disease. Therefore, it has been classified as a Variant of Uncertain Significance.

NM_022041.4(GAN):c.1624G>A (p.Asp542Asn)

Gene: GAN (gigaxonin; plus strand). Cytogenetic location: 16q23.2.
Variant type: single nucleotide variant.
Coding change: c.1624G>A on transcript NM_022041.4 (MANE Select); coding-DNA position 1624, G replaced by A.
Protein change: p.Asp542Asn; replaces aspartic acid 542 with asparagine.
Molecular consequence: missense variant.
Genome position (GRCh38, 1-based): chr16:81,377,426, G>A. VCF-style: chr16-81377426-G-A. GRCh37 (hg19) VCF-style: chr16-81411031-G-A.
Other names: c.985G>A, p.Asp329Asn (NM_001377486.1); short protein forms D329N, D542N.
Identifiers: ClinVar variation 1022546 (VCV001022546.4), dbSNP rs747972511, ClinGen allele CA8191846.